The following is an entry in ClinVar:

NM_000169.3(GLA):c.712A>C (p.Ser238Arg)

Genes: GLA (galactosidase alpha; minus strand), RPL36A-HNRNPH2 (RPL36A-HNRNPH2 readthrough; plus strand). Cytogenetic location: Xq22.1.
Variant type: single nucleotide variant.
Coding change: c.712A>C on transcript NM_000169.3 (MANE Select); coding-DNA position 712, A replaced by C.
Protein change: p.Ser238Arg; replaces serine 238 with arginine.
Molecular consequence: missense variant. On other transcripts: non-coding transcript variant (3), intron variant (2).
Genome position (GRCh38, 1-based): chrX:101,398,874, T>G on the plus strand (A>C on the coding strand, the complement: GLA is on the minus strand). VCF-style: chrX-101398874-T-G. GRCh37 (hg19) VCF-style: chrX-100653862-T-G.
Other names: c.835A>C, p.Ser279Arg (NM_001406747.1); c.712A>C, p.Ser238Arg (NM_001406748.1); c.300+3417T>G (NM_001199973.2); c.177+7052T>G (NM_001199974.2); short protein forms S238R, S279R.
Identifiers: ClinVar variation 4087479 (VCV004087479.2).
Genomic context (GRCh38, chrX:101,398,874, plus strand): 5'-CAGCAACATCAACAATTCTCTCCTGGTTAAAAGATGTCCAGTCCAAGATACTCTTTATAC[T>G]TTTCCAGGAATCATCAATGTCAGCAAAATTTCGCCAGTGATTGCAGTACTGTCGGATTTC-3'
Protein context (NP_000160.1, residues 228-248): NFADIDDSWK[Ser238Arg]IKSILDWTSF

ClinVar aggregate classification (germline): Uncertain significance (1 of 4 stars; one submission).

Conditions:
Fabry disease. Also called: ALPHA-GALACTOSIDASE A DEFICIENCY; ANDERSON-FABRY DISEASE; CERAMIDE TRIHEXOSIDASE DEFICIENCY; GLA DEFICIENCY; HEREDITARY DYSTOPIC LIPIDOSIS; Angiokeratoma corporis diffusum. Identifiers: Orphanet 324, MedGen C0002986, MONDO:0010526, OMIM 301500, HP:0001071. Disease mechanism: Fabry disease is due to inactivating mutations in the X-linked GLA gene resulting in deficiency of the enzyme Alpha Galactosidase-A., loss of function.

Submission:

Genomenon, Inc
Classification: Uncertain significance for Fabry disease. Last evaluated: 2026-09-08. Review status: criteria provided, single submitter. Criteria: Genomenon Sequence Variant Interpretation Standards - Updated. Collection method: curation. Allele origin: germline. Affected: no.
Comment: GLA p.Ser238Arg (c.712A>C) is a missense variant that changes the amino acid at codon 238 from Serine to Arginine. This variant has been reported in the published literature (PMID:27657681). The presence of pathogenic/likely pathogenic missense variant(s) at the same amino acid position indicates that this residue is likely important for protein function. It is absent or not present at a significant frequency in gnomAD. In silico models predict that this variant is possibly or probably damaging. In conclusion, we classify GLA p.Ser238Arg (c.712A>C) as a variant of uncertain significance.

Literature cited by the submitters: PubMed 27657681.